The following is an entry in ClinVar:

NM_005120.3(MED12):c.2937C>T (p.Tyr979=)

Gene: MED12 (mediator complex subunit 12; plus strand). Cytogenetic location: Xq13.1.
Variant type: single nucleotide variant.
Coding change: c.2937C>T on transcript NM_005120.3 (MANE Select); coding-DNA position 2937, C replaced by T.
Protein change: p.Tyr979=; no amino-acid change (tyrosine 979 retained).
Molecular consequence: synonymous variant.
Genome position (GRCh38, 1-based): chrX:71,127,423, C>T. VCF-style: chrX-71127423-C-T. GRCh37 (hg19) VCF-style: chrX-70347273-C-T.
Identifiers: ClinVar variation 700357 (VCV000700357.9), dbSNP rs758935114, ClinGen allele CA10444427.

ClinVar aggregate classification (germline): Conflicting classifications of pathogenicity. Review status: criteria provided, conflicting classifications (1 of 4 stars). 2 submissions from 2 submitters: Uncertain significance (1); Likely benign (1). Last evaluated 2025-03-23.

Conditions:
Familial thoracic aortic aneurysm and aortic dissection (TAAD). Also called: Thoracic aortic aneurysms and dissections. Identifiers: Orphanet 91387, MedGen C4707243, MONDO:0019625.
FG syndrome (FGS). Identifiers: MedGen C0220769, MONDO:0002010.

Allele frequency attached by ClinVar (database versions not stated): TOPMed below 0.00001; gnomAD 0.00001; gnomAD exomes 0.00001 and 0.00002; ExAC 0.00003.
gnomAD v4.1: 11 of 1,204,835 alleles (0.00091%); highest among the groups gnomAD compares: Non-Finnish European, 0.0012%; no homozygotes.

Submissions (2):

Labcorp Genetics (formerly Invitae), Labcorp
Classification: Likely benign for FG syndrome. Last evaluated: 2025-03-23. Review status: criteria provided, single submitter. Criteria: Invitae Variant Classification Sherloc (09022015). Collection method: clinical testing. Allele origin: germline.

Ambry Genetics
Classification: Uncertain significance for Familial thoracic aortic aneurysm and aortic dissection. Last evaluated: 2023-10-11. Review status: criteria provided, single submitter. Criteria: Ambry Variant Classification Scheme 2023. Collection method: clinical testing. Allele origin: germline.
Comment: The c.2937C>T variant (also known as p.Y979Y), located in coding exon 21 of the MED12 gene, results from a C to T substitution at nucleotide position 2937. This nucleotide substitution does not change the tyrosine at codon 979. This nucleotide position is not well conserved in available vertebrate species. Based on data from gnomAD, the T allele has an overall frequency of <0.01% (3/181100) total alleles studied, with 0 hemizygote(s) observed. The highest observed frequency was <0.01% (3/81550) of European (non-Finnish) alleles. In silico splice site analysis for this alteration is inconclusive. Since supporting evidence is limited at this time, the clinical significance of this alteration remains unclear.